The following is an entry in ClinVar:

ClinVar aggregate classification (germline): Uncertain significance (1 of 4 stars; one submission).

Allele frequency attached by ClinVar (database versions not stated): gnomAD exomes 0.00002 and 0.00004; TOPMed 0.00006; gnomAD 0.00007; ESP Exome Variant Server 0.00008; ExAC 0.00002.
gnomAD v4.1: 77 of 1,614,074 alleles (0.0048%); highest among the groups gnomAD compares: Non-Finnish European, 0.0058%; no homozygotes.

Submission:

Labcorp Genetics (formerly Invitae), Labcorp
Classification: Uncertain significance. Last evaluated: 2025-08-27. Review status: criteria provided, single submitter. Criteria: Invitae Variant Classification Sherloc (09022015). Collection method: clinical testing. Allele origin: germline.
Comment: This sequence change replaces arginine, which is basic and polar, with methionine, which is neutral and non-polar, at codon 734 of the NFKB1 protein (p.Arg734Met). This variant is present in population databases (rs370433110, gnomAD 0.005%). This variant has not been reported in the literature in individuals affected with NFKB1-related conditions. ClinVar contains an entry for this variant (Variation ID: 1516666). Invitae Evidence Modeling of protein sequence and biophysical properties (such as structural, functional, and spatial information, amino acid conservation, physicochemical variation, residue mobility, and thermodynamic stability) indicates that this missense variant is not expected to disrupt NFKB1 protein function with a negative predictive value of 80%. In summary, the available evidence is currently insufficient to determine the role of this variant in disease. Therefore, it has been classified as a Variant of Uncertain Significance.

NM_003998.4(NFKB1):c.2201G>T (p.Arg734Met)

Gene: NFKB1 (nuclear factor kappa B subunit 1; plus strand). Cytogenetic location: 4q24.
Variant type: single nucleotide variant.
Coding change: c.2201G>T on transcript NM_003998.4 (MANE Select); coding-DNA position 2201, G replaced by T.
Protein change: p.Arg734Met; replaces arginine 734 with methionine.
Molecular consequence: missense variant.
Genome position (GRCh38, 1-based): chr4:102,607,725, G>T. VCF-style: chr4-102607725-G-T. GRCh37 (hg19) VCF-style: chr4-103528882-G-T.
Other names: c.2198G>T, p.Arg733Met (NM_001165412.2, NM_001319226.2, NM_001382627.1); c.2201G>T, p.Arg734Met (NM_001382625.1, NM_001382626.1); c.2159G>T, p.Arg720Met (NM_001382628.1); short protein forms R720M, R733M, R734M.
Identifiers: ClinVar variation 1516666 (VCV001516666.6), dbSNP rs370433110, ClinGen allele CA3026357.
Genomic context (GRCh38, chr4:102,607,725, plus strand): 5'-ACAGTACTACCTACGATGGAACCACACCCCTGCATATAGCAGCTGGGAGAGGGTCCACCA[G>T]GCTGGCAGCTCTTCTCAAAGCAGCAGGTAAGATGGTGATCTGGCGGTCATTAATGAAAAA-3'
Protein context (NP_003989.2, residues 724-744): LHIAAGRGST[Arg734Met]LAALLKAAGA